The following is an entry in ClinVar:

ClinVar aggregate classification (germline): Pathogenic (1 of 4 stars; one submission).

Submission:

Labcorp Genetics (formerly Invitae), Labcorp
Classification: Pathogenic. Last evaluated: 2023-01-20. Review status: criteria provided, single submitter. Criteria: Invitae Variant Classification Sherloc (09022015). Collection method: clinical testing. Allele origin: germline.
Comment: This variant has not been reported in the literature in individuals affected with CEP152-related conditions. This variant is not present in population databases (gnomAD no frequency). This sequence change creates a premature translational stop signal (p.Leu352Thrfs*5) in the CEP152 gene. It is expected to result in an absent or disrupted protein product. Loss-of-function variants in CEP152 are known to be pathogenic (PMID: 21131973). For these reasons, this variant has been classified as Pathogenic.

Literature cited by the submitters: PubMed 21131973.

NM_001194998.2(CEP152):c.1052dup (p.Leu352fs)

Gene: CEP152 (centrosomal protein 152; minus strand). Cytogenetic location: 15q21.1.
Variant type: Duplication.
Coding change: c.1052dup on transcript NM_001194998.2 (MANE Select); coding-DNA position 1052, one base duplicated (C; older notation c.1052dupC).
Protein change: p.Leu352fs; shifts the reading frame from leucine 352.
Molecular consequence: frameshift variant.
Genome position (GRCh38, 1-based): chr15:48,788,922, G duplicated on the plus strand (C on the coding strand, the reverse complement: CEP152 is on the minus strand). VCF-style (leftmost placement, unchanged base first): chr15-48788921-T-TG. GRCh37 (hg19) VCF-style: chr15-49081118-T-TG.
Other names: c.1052dup, p.Leu352fs (NM_014985.4); short protein forms L352fs.
Identifiers: ClinVar variation 2828158 (VCV002828158.3), dbSNP rs2504862939, ClinGen allele CA2739269458.